The following is an entry in ClinVar:

NM_030625.3(TET1):c.5280G>A (p.Ala1760=)

Gene: TET1 (tet methylcytosine dioxygenase 1; plus strand). Cytogenetic location: 10q21.3.
Variant type: single nucleotide variant.
Coding change: c.5280G>A on transcript NM_030625.3 (MANE Select); coding-DNA position 5280, G replaced by A.
Protein change: p.Ala1760=; no amino-acid change (alanine 1760 retained).
Molecular consequence: synonymous variant.
Genome position (GRCh38, 1-based): chr10:68,686,583, G>A. VCF-style: chr10-68686583-G-A. GRCh37 (hg19) VCF-style: chr10-70446340-G-A.
Other names: c.5367G>A, p.Ala1789= (NM_001406365.1); c.3456G>A, p.Ala1152= (NM_001406367.1); c.3354G>A, p.Ala1118= (NM_001406368.1, NM_001406369.1, NM_001406370.1); c.3267G>A, p.Ala1089= (NM_001406371.1, NM_001406372.1); c.2874G>A, p.Ala958= (NM_001406373.1); c.2787G>A, p.Ala929= (NM_001406374.1); c.1011G>A, p.Ala337= (NM_001406375.1); c.924G>A, p.Ala308= (NM_001406376.1).
Identifiers: ClinVar variation 4086031 (VCV004086031.8).

ClinVar aggregate classification (germline): Likely benign (1 of 4 stars; one submission).

gnomAD v4.1: 511 of 1,614,046 alleles (0.032%); highest among the groups gnomAD compares: Non-Finnish European, 0.041%; no homozygotes.

Submission:

CeGaT Center for Human Genetics Tuebingen
Classification: Likely benign. Last evaluated: 2025-07-01. Review status: criteria provided, single submitter. Criteria: CeGaT Center For Human Genetics Tuebingen Variant Classification Criteria Version 2. Collection method: clinical testing. Allele origin: germline. Affected: yes. Observed: 1 variant allele.
Comment: TET1: BP4, BP7